The following is an entry in ClinVar:

NM_002693.3(POLG):c.2599-10C>T

Gene: POLG (DNA polymerase gamma, catalytic subunit; minus strand). Cytogenetic location: 15q26.1.
Variant type: single nucleotide variant.
Coding change: c.2599-10C>T on transcript NM_002693.3 (MANE Select); 10 bases into the intron before coding-DNA position 2599, C replaced by T.
Molecular consequence: intron variant.
Genome position (GRCh38, 1-based): chr15:89,321,270, G>A on the plus strand (C>T on the coding strand, the complement: POLG is on the minus strand). VCF-style: chr15-89321270-G-A. GRCh37 (hg19) VCF-style: chr15-89864501-G-A.
Other names: c.2599-10C>T (NM_001126131.2).
Identifiers: ClinVar variation 498704 (VCV000498704.17), dbSNP rs769346219, ClinGen allele CA7724397.

ClinVar aggregate classification (germline): Conflicting classifications of pathogenicity. Review status: criteria provided, conflicting classifications (1 of 4 stars). 3 submissions from 3 submitters: Uncertain significance (1); Likely benign (2). Last evaluated 2025-10-22.

Conditions:
Progressive sclerosing poliodystrophy (MTDPS4A). Also called: Alpers Syndrome; ALPERS DIFFUSE DEGENERATION OF CEREBRAL GRAY MATTER WITH HEPATIC CIRRHOSIS; Alpers-Huttenlocher Syndrome; ALPERS PROGRESSIVE INFANTILE POLIODYSTROPHY; NEURONAL DEGENERATION OF CHILDHOOD WITH LIVER DISEASE, PROGRESSIVE; Mitochondrial DNA depletion syndrome 4A (Alpers type). Identifiers: Orphanet 726, MedGen C0205710, MONDO:0008758, OMIM 203700.

Allele frequency attached by ClinVar (database versions not stated): gnomAD exomes below 0.00001; ExAC 0.00001; TOPMed 0.00003; gnomAD 0.00004.
gnomAD v4.1: 4 of 1,613,808 alleles (0.00025%); highest among the groups gnomAD compares: African/African-American, 0.0027%; no homozygotes.

Submissions (3):

Labcorp Genetics (formerly Invitae), Labcorp
Classification: Likely benign for Progressive sclerosing poliodystrophy. Last evaluated: 2025-10-22. Review status: criteria provided, single submitter. Criteria: Invitae Variant Classification Sherloc (09022015). Collection method: clinical testing. Allele origin: germline.

GeneDx
Classification: Likely benign. Last evaluated: 2017-11-02. Review status: criteria provided, single submitter. Criteria: GeneDx Variant Classification (06012015). Collection method: clinical testing. Allele origin: germline. Affected: yes.
Comment: This variant is considered likely benign or benign based on one or more of the following criteria: it is a conservative change, it occurs at a poorly conserved position in the protein, it is predicted to be benign by multiple in silico algorithms, and/or has population frequency not consistent with disease.

Eurofins Ntd Llc (ga)
Classification: Uncertain significance. Last evaluated: 2016-11-16. Review status: criteria provided, single submitter. Criteria: EGL Classification Definitions 2015. Collection method: clinical testing. Allele origin: germline. Observed: 1 variant allele, 1 heterozygote.